The following is an entry in ClinVar:

NM_007294.4(BRCA1):c.2776_2777insTA (p.Thr926fs)

Gene: BRCA1 (BRCA1 DNA repair associated; minus strand). Cytogenetic location: 17q21.31.
Variant type: Insertion.
Coding change: c.2776_2777insTA on transcript NM_007294.4 (MANE Select); coding-DNA positions 2776 to 2777, TA inserted.
Protein change: p.Thr926fs; shifts the reading frame from threonine 926.
Molecular consequence: frameshift variant. On other transcripts: intron variant (137).
Genome position: GRCh38 VCF-style: chr17-43092754-G-GTA. GRCh37 (hg19) VCF-style: chr17-41244771-G-GTA.
Other names: 2895_2896insTA; c.2776_2777insTA, p.Thr926fs (NM_007294.3, NM_001407616.1, NM_001407617.1 and 31 more transcripts); c.2773_2774insTA, p.Thr925fs (NM_001407615.1, NM_001407627.1, NM_001407628.1 and 22 more transcripts); c.2767_2768insTA, p.Thr923fs (NM_001407646.1, NM_001407647.1); c.2653_2654insTA, p.Thr885fs (NM_001407648.1, NM_001407664.1, NM_001407665.1 and 19 more transcripts); c.2650_2651insTA, p.Thr884fs (NM_001407649.1, NM_001407670.1, NM_001407671.1 and 11 more transcripts); c.2698_2699insTA, p.Thr900fs (NM_001407653.1, NM_001407654.1, NM_001407655.1 and 4 more transcripts); c.2695_2696insTA, p.Thr899fs (NM_001407659.1, NM_001407660.1, NM_001407661.1 and 1 more transcripts); and 42 more; short protein forms T879fs, T926fs, T798fs, T799fs, T859fs, T884fs, T815fs, T837fs.
Identifiers: ClinVar variation 266302 (VCV000266302.8), dbSNP rs886040071, ClinGen allele CA10589815.
Genomic context (GRCh38, chr17:43,092,754, plus strand): 5'-ATACTACATTTGGCATTATCAACTGGCTTATCTTTCTGACCAACCACAGGAAAGCCTGCA[G>GTA]TGATATTAACTGTCTGTACAGGCTTGATATTAGACTCATTCTTTCCTTGATTTTCTTCCT-3'

ClinVar aggregate classification (germline): Pathogenic. Review status: reviewed by expert panel (3 of 4 stars). 3 submissions from 3 submitters: Pathogenic (1). 2 of the submissions do not count toward it. Last evaluated 2016-10-18.

Conditions:
Breast-ovarian cancer, familial, susceptibility to, 1 (BROVCA1). Also called: BRCA1 Hereditary Breast and Ovarian Cancer; OVARIAN CANCER, SUSCEPTIBILITY TO. Identifiers: Orphanet 145, MedGen C2676676, MONDO:0011450, OMIM 604370. Disease mechanism: loss of function.

Submissions (3):

Evidence-based Network for the Interpretation of Germline Mutant Alleles (ENIGMA)
Classification: Pathogenic for Breast-ovarian cancer, familial, susceptibility to, 1. Last evaluated: 2016-10-18. Review status: reviewed by expert panel. Criteria: ENIGMA BRCA1/2 Classification Criteria (2015). Collection method: curation. Allele origin: germline.
Comment: Variant allele predicted to encode a truncated non-functional protein.

Institute of Immunology and Genetics Kaiserslautern
Classification: Pathogenic for Breast-ovarian cancer, familial, susceptibility to, 1. Last evaluated: 2025-07-31. Review status: criteria provided, single submitter. Criteria: ACMG Guidelines, 2015. Collection method: clinical testing. Allele origin: germline. Affected: yes. Not counted in ClinVar's aggregate classification.
Comment: ACMG Criteria: PVS1, PM2, PP5_M.

Consortium of Investigators of Modifiers of BRCA1/2 (CIMBA), c/o University of Cambridge
Classification: Pathogenic for Breast-ovarian cancer, familial, susceptibility to, 1. Last evaluated: 2015-10-02. Review status: criteria provided, single submitter. Criteria: CIMBA Mutation Classification guidelines May 2016. Collection method: clinical testing. Allele origin: germline. Not counted in ClinVar's aggregate classification.